The following is an entry in ClinVar:

NM_001852.4(COL9A2):c.1010G>C (p.Gly337Ala)

Gene: COL9A2 (collagen type IX alpha 2 chain; minus strand). Cytogenetic location: 1p34.2.
Variant type: single nucleotide variant.
Coding change: c.1010G>C on transcript NM_001852.4 (MANE Select); coding-DNA position 1010, G replaced by C.
Protein change: p.Gly337Ala; replaces glycine 337 with alanine.
Molecular consequence: missense variant.
Genome position (GRCh38, 1-based): chr1:40,306,186, C>G on the plus strand (G>C on the coding strand, the complement: COL9A2 is on the minus strand). VCF-style: chr1-40306186-C-G. GRCh37 (hg19) VCF-style: chr1-40771858-C-G.
Other names: c.1010G>C (NM_001852.3); short protein forms G337A.
Identifiers: ClinVar variation 1444722 (VCV001444722.8), dbSNP rs199502479, ClinGen allele CA791626.

ClinVar aggregate classification (germline): Uncertain significance. Review status: criteria provided, multiple submitters, no conflicts (2 of 4 stars). 2 submissions from 2 submitters: Uncertain significance (2). Last evaluated 2026-01-02.

Allele frequency attached by ClinVar (database versions not stated): ExAC 0.00002; gnomAD exomes 0.00002 and 0.00004; TOPMed 0.00002; gnomAD 0.00007.
gnomAD v4.1: 69 of 1,614,104 alleles (0.0043%); highest among the groups gnomAD compares: Non-Finnish European, 0.0057%; no homozygotes.

Submissions (2):

Labcorp Genetics (formerly Invitae), Labcorp
Classification: Uncertain significance. Last evaluated: 2026-01-02. Review status: criteria provided, single submitter. Criteria: Invitae Variant Classification Sherloc (09022015). Collection method: clinical testing. Allele origin: germline.
Comment: This sequence change replaces glycine, which is neutral and non-polar, with alanine, which is neutral and non-polar, at codon 337 of the COL9A2 protein (p.Gly337Ala). This variant is present in population databases (rs199502479, gnomAD 0.01%). This variant has not been reported in the literature in individuals affected with COL9A2-related conditions. ClinVar contains an entry for this variant (Variation ID: 1444722). An algorithm developed to predict the effect of missense changes on protein structure and function (PolyPhen-2) suggests that this variant is likely to be disruptive. In summary, the available evidence is currently insufficient to determine the role of this variant in disease. Therefore, it has been classified as a Variant of Uncertain Significance.

GeneDx
Classification: Uncertain significance. Last evaluated: 2023-06-12. Review status: criteria provided, single submitter. Criteria: GeneDx Variant Classification Process June 2021. Collection method: clinical testing. Allele origin: germline. Affected: yes.
Comment: Has not been previously published as pathogenic or benign to our knowledge; In silico analysis supports that this missense variant has a deleterious effect on protein structure/function